The following is an entry in ClinVar:

ClinVar aggregate classification (germline): Pathogenic/Likely pathogenic. Review status: criteria provided, multiple submitters, no conflicts (2 of 4 stars). 4 submissions from 4 submitters: Pathogenic (3); Likely pathogenic (1). Last evaluated 2025-04-07.

Conditions:
Hereditary cancer-predisposing syndrome. Also called: Tumor predisposition; Hereditary neoplastic syndrome; Neoplastic Syndromes, Hereditary; Hereditary Cancer Syndrome. Identifiers: Orphanet 140162, MedGen C0027672, MeSH D009386, MONDO:0015356.
Familial cancer of breast. Also called: Hereditary breast cancer; hereditary breast carcinoma; BREAST CANCER, FAMILIAL. Identifiers: Orphanet 227535, MedGen C0346153, MONDO:0016419, OMIM 114480. Disease mechanism: loss of function.

Submissions (4):

Ambry Genetics
Classification: Pathogenic for Hereditary cancer-predisposing syndrome. Last evaluated: 2025-04-07. Review status: criteria provided, single submitter. Criteria: Ambry Variant Classification Scheme 2023. Collection method: clinical testing. Allele origin: germline.
Comment: The p.W485* pathogenic mutation (also known as c.1455G>A), located in coding exon 12 of the CHEK2 gene, results from a G to A substitution at nucleotide position 1455. This changes the amino acid from a tryptophan to a stop codon within coding exon 12. This variant is considered to be rare based on population cohorts in the Genome Aggregation Database (gnomAD). This alteration is expected to result in loss of function by premature protein truncation or nonsense-mediated mRNA decay. As such, this alteration is interpreted as a disease-causing mutation.

Labcorp Genetics (formerly Invitae), Labcorp
Classification: Pathogenic for Familial cancer of breast. Last evaluated: 2024-05-06. Review status: criteria provided, single submitter. Criteria: Invitae Variant Classification Sherloc (09022015). Collection method: clinical testing. Allele origin: germline.
Comment: This sequence change creates a premature translational stop signal (p.Trp485*) in the CHEK2 gene. It is expected to result in an absent or disrupted protein product. Loss-of-function variants in CHEK2 are known to be pathogenic (PMID: 21876083, 24713400). This variant is not present in population databases (gnomAD no frequency). This variant has not been reported in the literature in individuals affected with CHEK2-related conditions. ClinVar contains an entry for this variant (Variation ID: 1073563). For these reasons, this variant has been classified as Pathogenic.

Myriad Genetics, Inc.
Classification: Pathogenic for Familial cancer of breast. Last evaluated: 2023-06-28. Review status: criteria provided, single submitter. Criteria: Myriad Autosomal Dominant, Autosomal Recessive and X-Linked Classification Criteria (2023). Collection method: clinical testing. Allele origin: unknown.
Comment: This variant is considered pathogenic. This variant creates a termination codon and is predicted to result in premature protein truncation.

Baylor Genetics
Classification: Likely pathogenic for Familial cancer of breast. Last evaluated: 2022-03-28. Review status: criteria provided, single submitter. Criteria: ACMG Guidelines, 2015. Collection method: clinical testing. Allele origin: unknown.

Literature cited by the submitters: PubMed 21876083 (cited by Labcorp Genetics (formerly Invitae), Labcorp); PubMed 24713400 (cited by Labcorp Genetics (formerly Invitae), Labcorp).

NM_007194.4(CHEK2):c.1455G>A (p.Trp485Ter)

Gene: CHEK2 (checkpoint kinase 2; minus strand). Cytogenetic location: 22q12.1.
Variant type: single nucleotide variant.
Coding change: c.1455G>A on transcript NM_007194.4 (MANE Select); coding-DNA position 1455, G replaced by A.
Protein change: p.Trp485Ter; replaces tryptophan 485 with a stop codon.
Molecular consequence: nonsense.
Genome position (GRCh38, 1-based): chr22:28,694,038, C>T on the plus strand (G>A on the coding strand, the complement: CHEK2 is on the minus strand). VCF-style: chr22-28694038-C-T. GRCh37 (hg19) VCF-style: chr22-29090026-C-T.
Other names: c.1584G>A, p.Trp528Ter (NM_001005735.3); c.792G>A, p.Trp264Ter (NM_001257387.3); c.1254G>A, p.Trp418Ter (NM_001349956.3); c.1368G>A, p.Trp456Ter (NM_145862.3); c.1455G>A (NM_007194.3); short protein forms W264*, W418*, W456*, W485*, W528*.
Identifiers: ClinVar variation 1073563 (VCV001073563.11), dbSNP rs1601715852, ClinGen allele CA411093937.